The following is an entry in ClinVar:

NM_001393611.1(ANKRD18B):c.708C>T (p.Ala236=)

Gene: ANKRD18B (ankyrin repeat domain 18B; plus strand). Cytogenetic location: 9p13.3.
Variant type: single nucleotide variant.
Coding change: c.708C>T on transcript NM_001393611.1 (MANE Select); coding-DNA position 708, C replaced by T.
Protein change: p.Ala236=; no amino-acid change (alanine 236 retained).
Molecular consequence: synonymous variant.
Genome position (GRCh38, 1-based): chr9:33,534,475, C>T. VCF-style: chr9-33534475-C-T. GRCh37 (hg19) VCF-style: chr9-33534473-C-T.
Other names: c.708C>T, p.Ala236= (NM_001353432.2).
Identifiers: ClinVar variation 2659149 (VCV002659149.24), dbSNP rs201424663, ClinGen allele CA5027894.

ClinVar aggregate classification (germline): Likely benign (1 of 4 stars; one submission).

Allele frequency attached by ClinVar (database versions not stated): gnomAD exomes 0.00057; TOPMed 0.00060; gnomAD 0.00062; ExAC 0.00296.
gnomAD v4.1: 970 of 1,548,846 alleles (0.063%); highest among the groups gnomAD compares: Non-Finnish European, 0.013%; 7 homozygotes.

Submission:

CeGaT Center for Human Genetics Tuebingen
Classification: Likely benign. Last evaluated: 2022-04-01. Review status: criteria provided, single submitter. Criteria: CeGaT Center For Human Genetics Tuebingen Variant Classification Criteria Version 2. Collection method: clinical testing. Allele origin: germline. Affected: yes. Observed: 1 variant allele.
Comment: ANKRD18B: BP4, BP7